The following is an entry in ClinVar:

ClinVar aggregate classification (germline): Uncertain significance (1 of 4 stars; one submission).

Submission:

Labcorp Genetics (formerly Invitae), Labcorp
Classification: Uncertain significance. Last evaluated: 2023-12-01. Review status: criteria provided, single submitter. Criteria: Invitae Variant Classification Sherloc (09022015). Collection method: clinical testing. Allele origin: unknown.
Comment: A copy number gain of the genomic region encompassing the full coding sequence of the GLIS3 gene has been identified. The boundaries of this event are unknown as they extend beyond the assayed region for this gene and therefore may encompass additional genes. As the precise location of this event is unknown, it may be in tandem or it may be located elsewhere in the genome. This variant has not been reported in the literature in individuals affected with GLIS3-related conditions. In summary, the available evidence is currently insufficient to determine the role of this variant in disease. Therefore, it has been classified as a Variant of Uncertain Significance.

NC_000009.11:g.(?_3828272)_(4585558_?)dup

Genes: GLIS3 (GLIS family zinc finger 3; minus strand), SLC1A1 (solute carrier family 1 member 1; plus strand). Cytogenetic location: 9p24.2.
Variant type: Duplication.
Identifiers: ClinVar variation 3245400 (VCV003245400.1).